The following is an entry in ClinVar:

NM_033305.3(VPS13A):c.7193A>G (p.His2398Arg)

Gene: VPS13A (vacuolar protein sorting 13 homolog A; plus strand). Cytogenetic location: 9q21.2.
Variant type: single nucleotide variant.
Coding change: c.7193A>G on transcript NM_033305.3 (MANE Select); coding-DNA position 7193, A replaced by G.
Protein change: p.His2398Arg; replaces histidine 2398 with arginine.
Molecular consequence: missense variant.
Genome position (GRCh38, 1-based): chr9:77,345,046, A>G. VCF-style: chr9-77345046-A-G. GRCh37 (hg19) VCF-style: chr9-79959962-A-G.
Other names: c.7076A>G, p.His2359Arg (NM_001018037.2); c.7193A>G, p.His2398Arg (NM_001018038.3, NM_015186.4); short protein forms H2359R, H2398R.
Identifiers: ClinVar variation 3769659 (VCV003769659.1).

ClinVar aggregate classification (germline): Uncertain significance (1 of 4 stars; one submission).

gnomAD v4.1: 10 of 1,612,986 alleles (0.00062%); highest among the groups gnomAD compares: African/African-American, 0.0013%; no homozygotes.

Submission:

GeneDx
Classification: Uncertain significance. Last evaluated: 2024-09-17. Review status: criteria provided, single submitter. Criteria: GeneDx Variant Classification Process June 2021. Collection method: clinical testing. Allele origin: germline. Affected: yes.
Comment: Not observed at significant frequency in large population cohorts (gnomAD); In silico analysis supports that this missense variant has a deleterious effect on protein structure/function; Has not been previously published as pathogenic or benign to our knowledge